The following is an entry in ClinVar:

NM_032776.3(JMJD1C):c.3451A>G (p.Lys1151Glu)

Gene: JMJD1C (jumonji domain containing 1C; minus strand). Cytogenetic location: 10q21.3.
Variant type: single nucleotide variant.
Coding change: c.3451A>G on transcript NM_032776.3 (MANE Select); coding-DNA position 3451, A replaced by G.
Protein change: p.Lys1151Glu; replaces lysine 1151 with glutamic acid.
Molecular consequence: missense variant. On other transcripts: non-coding transcript variant (1).
Genome position (GRCh38, 1-based): chr10:63,208,218, T>C on the plus strand (A>G on the coding strand, the complement: JMJD1C is on the minus strand). VCF-style: chr10-63208218-T-C. GRCh37 (hg19) VCF-style: chr10-64967978-T-C.
Other names: c.3451A>G (NM_032776.1); c.2905A>G, p.Lys969Glu (NM_001282948.2, NM_001318154.2); c.2587A>G, p.Lys863Glu (NM_001318153.2); c.3337A>G, p.Lys1113Glu (NM_001322252.2); c.2794A>G, p.Lys932Glu (NM_001322254.2, NM_001322258.2); short protein forms K1151E, K969E, K1113E, K932E, K863E.
Identifiers: ClinVar variation 966690 (VCV000966690.10), dbSNP rs909561888, ClinGen allele CA208372091.

ClinVar aggregate classification (germline): Uncertain significance. Review status: criteria provided, multiple submitters, no conflicts (2 of 4 stars). 2 submissions from 2 submitters: Uncertain significance (2). Last evaluated 2024-05-13.

Conditions:
Early Myoclonic Encephalopathy. Identifiers: MedGen C0270855.

Allele frequency attached by ClinVar (database versions not stated): gnomAD 0.00002; gnomAD exomes below 0.00001; TOPMed 0.00003.
gnomAD v4.1: 5 of 1,613,920 alleles (0.00031%); highest among the groups gnomAD compares: African/African-American, 0.004%; no homozygotes.

Submissions (2):

Ambry Genetics
Classification: Uncertain significance. Last evaluated: 2024-05-13. Review status: criteria provided, single submitter. Criteria: Ambry Variant Classification Scheme 2023. Collection method: clinical testing. Allele origin: germline.

Labcorp Genetics (formerly Invitae), Labcorp
Classification: Uncertain significance for Early Myoclonic Encephalopathy. Last evaluated: 2021-07-12. Review status: criteria provided, single submitter. Criteria: Invitae Variant Classification Sherloc (09022015). Collection method: clinical testing. Allele origin: germline.
Comment: This sequence change replaces lysine with glutamic acid at codon 1151 of the JMJD1C protein (p.Lys1151Glu). The lysine residue is highly conserved and there is a small physicochemical difference between lysine and glutamic acid. This variant is not present in population databases (ExAC no frequency). This variant has not been reported in the literature in individuals with JMJD1C-related disease. Algorithms developed to predict the effect of missense changes on protein structure and function do not agree on the potential impact of this missense change (SIFT: "Deleterious"; PolyPhen-2: "Possibly Damaging"; Align-GVGD: "Class C0"). In summary, the available evidence is currently insufficient to determine the role of this variant in disease. Therefore, it has been classified as a Variant of Uncertain Significance.